The following is an entry in ClinVar:

ClinVar aggregate classification (germline): Likely benign (1 of 4 stars; one submission).

Conditions:
ALG5-related disorder. Also called: ALG5-related condition.

gnomAD v4.1: 44 of 1,614,136 alleles (0.0027%); highest among the groups gnomAD compares: East Asian, 0.096%; no homozygotes.

Submission:

PreventionGenetics, part of Exact Sciences
Classification: Likely benign for ALG5-related condition. Last evaluated: 2025-06-09. Review status: criteria provided, single submitter. Criteria: ACMG Guidelines, 2015. Collection method: clinical testing. Allele origin: germline.
Comment: This variant is classified as likely benign based on ACMG/AMP sequence variant interpretation guidelines (Richards et al. 2015 PMID: 25741868, with internal and published modifications).

NM_013338.5(ALG5):c.718T>C (p.Leu240=)

Gene: ALG5 (ALG5 dolichyl-phosphate beta-glucosyltransferase; minus strand). Cytogenetic location: 13q13.3.
Variant type: single nucleotide variant.
Coding change: c.718T>C on transcript NM_013338.5 (MANE Select); coding-DNA position 718, T replaced by C.
Protein change: p.Leu240=; no amino-acid change (leucine 240 retained).
Molecular consequence: synonymous variant.
Genome position (GRCh38, 1-based): chr13:36,965,630, A>G on the plus strand (T>C on the coding strand, the complement: ALG5 is on the minus strand). VCF-style: chr13-36965630-A-G. GRCh37 (hg19) VCF-style: chr13-37539767-A-G.
Other names: c.628T>C, p.Leu210= (NM_001142364.1).
Identifiers: ClinVar variation 4986332 (VCV004986332.1).